The following is an entry in ClinVar:

ClinVar aggregate classification (germline): Likely pathogenic. Review status: criteria provided, multiple submitters, no conflicts (2 of 4 stars). 2 submissions from 2 submitters: Likely pathogenic (2). Last evaluated 2025-03-21.

Conditions:
Polycystic kidney disease, adult type (PKD1). Also called: POLYCYSTIC KIDNEY DISEASE 1 WITH OR WITHOUT POLYCYSTIC LIVER DISEASE; Polycystic Kidney Disease 1, Autosomal Dominant; Polycystic kidney disease 1; Polycystic kidney disease 1, severe; Polycystic Kidney, Autosomal Dominant; POLYCYSTIC KIDNEY DISEASE, ADULT, TYPE I. Identifiers: MedGen C3149841, MONDO:0008263, OMIM 173900.
PKD1-Biallelic Autosomal Recessive Polycystic Kidney Disease.

Submissions (2):

Women's Health and Genetics/Laboratory Corporation of America, LabCorp
Classification: Likely pathogenic for PKD1-Biallelic Autosomal Recessive Polycystic Kidney Disease. Last evaluated: 2025-03-21. Review status: criteria provided, single submitter. Criteria: LabCorp Variant Classification Summary - May 2015. Collection method: clinical testing. Allele origin: germline.
Comment: Variant summary: PKD1 c.7303_7317del15 (p.Arg2435_Arg2439del) results in an in-frame deletion that is predicted to remove 5 amino acids from the encoded protein. The variant was absent in 226388 control chromosomes. c.7303_7317del15 has been reported in the heterozygous state in the literature in multiple individuals affected with autosomal dominant polycystic kidney disease (example, Elhassan_ 2024, Lindemann_ 2023, Benson_ 2021, Rossetti_ 2007, Audrezet_ 2012). These data indicate that the variant is likely to be associated with disease. To our knowledge, no experimental evidence demonstrating an impact on protein function has been reported. The following publications have been ascertained in the context of this evaluation (PMID: 33454723, 38481516, 36938073, 17582161, 22508176). ClinVar contains an entry for this variant (Variation ID: 873340). Based on the evidence outlined above, the variant was classified as likely pathogenic.

Cavalleri Lab, Royal College of Surgeons in Ireland
Classification: Likely pathogenic for Polycystic kidney disease, adult type. Last evaluated: 2020-02-05. Review status: criteria provided, single submitter. Criteria: ACMG Guidelines, 2015. Collection method: research. Allele origin: unknown. Inheritance: Autosomal dominant inheritance. Affected: yes.
Comment: PM2, PM4, PP3, PP4

Literature cited by the submitters: PubMed 33454723 (cited by Women's Health and Genetics/Laboratory Corporation of America, LabCorp); PubMed 36938073 (cited by Women's Health and Genetics/Laboratory Corporation of America, LabCorp); PubMed 17582161 (cited by Women's Health and Genetics/Laboratory Corporation of America, LabCorp); PubMed 22508176 (cited by Women's Health and Genetics/Laboratory Corporation of America, LabCorp); PubMed 38481516 (cited by Women's Health and Genetics/Laboratory Corporation of America, LabCorp).

NM_001009944.3(PKD1):c.7303_7317del (p.Arg2435_Arg2439del)

Gene: PKD1 (polycystin 1, transient receptor potential channel interacting; minus strand). Cytogenetic location: 16p13.3.
Variant type: Deletion.
Coding change: c.7303_7317del on transcript NM_001009944.3 (MANE Select); coding-DNA positions 7303 to 7317, 15 bases deleted (CGGGGCGTGCTGCGG).
Protein change: p.Arg2435_Arg2439del.
Molecular consequence: inframe deletion.
Genome position (GRCh38, 1-based): chr16:2,106,570-2,106,584, CCGCAGCACGCCCCG deleted on the plus strand (CGGGGCGTGCTGCGG on the coding strand, the reverse complement: PKD1 is on the minus strand); deleting any 15 consecutive bases within chr16:2,106,570-2,106,593 gives the same sequence; the c. name uses the placement nearest the transcript's 3' end. VCF-style (leftmost placement, unchanged base first): chr16-2106569-CCCGCAGCACGCCCCG-C. GRCh37 (hg19) VCF-style: chr16-2156570-CCCGCAGCACGCCCCG-C.
Other names: p.2435_2439del; c.7303_7317del, p.Arg2435_Arg2439del (NM_000296.4); c.7303_7317del15 (NM_001009944.3).
Identifiers: ClinVar variation 873340 (VCV000873340.2), dbSNP rs2092343570, ClinGen allele CA1139664385.